The following is an entry in ClinVar:

ClinVar aggregate classification (germline): Uncertain significance (1 of 4 stars; one submission).

Conditions:
Tietz syndrome (TADS). Also called: HYPOPIGMENTATION/DEAFNESS OF TIETZ; TIETZ ALBINISM-DEAFNESS SYNDROME; ALBINISM-DEAFNESS OF TIETZ. Identifiers: Orphanet 42665, MedGen C0391816, MONDO:0007077, OMIM 103500.
Waardenburg syndrome type 2A (WS2A). Also called: WAARDENBURG SYNDROME WITHOUT DYSTOPIA CANTHORUM. Identifiers: Orphanet 3440, MedGen C1860339, MONDO:0008671, OMIM 193510.
Melanoma, cutaneous malignant, susceptibility to, 8. Also called: MELANOMA AND RENAL CELL CARCINOMA, SUSCEPTIBILITY TO; Cutaneous malignant melanoma 8. Identifiers: Orphanet 293822, MedGen C3152204, MONDO:0013759, OMIM 614456.

Submission:

Labcorp Genetics (formerly Invitae), Labcorp
Classification: Uncertain significance for Melanoma, cutaneous malignant, susceptibility to, 8; Waardenburg syndrome type 2A; Tietz syndrome. Last evaluated: 2025-10-13. Review status: criteria provided, single submitter. Criteria: Invitae Variant Classification Sherloc (09022015). Collection method: clinical testing. Allele origin: germline.
Comment: This sequence change replaces leucine, which is neutral and non-polar, with isoleucine, which is neutral and non-polar, at codon 80 of the MITF protein (p.Leu80Ile). This variant is not present in population databases (gnomAD no frequency). This variant has not been reported in the literature in individuals affected with MITF-related conditions. ClinVar contains an entry for this variant (Variation ID: 3750419). Invitae Evidence Modeling of protein sequence and biophysical properties (such as structural, functional, and spatial information, amino acid conservation, physicochemical variation, residue mobility, and thermodynamic stability) indicates that this missense variant is not expected to disrupt MITF protein function with a negative predictive value of 80%. In summary, the available evidence is currently insufficient to determine the role of this variant in disease. Therefore, it has been classified as a Variant of Uncertain Significance.

NM_001354604.2(MITF):c.559C>A (p.Leu187Ile)

Gene: MITF (melanocyte inducing transcription factor; plus strand). Cytogenetic location: 3p13.
Variant type: single nucleotide variant.
Coding change: c.559C>A on transcript NM_001354604.2 (MANE Select); coding-DNA position 559, C replaced by A.
Protein change: p.Leu187Ile; replaces leucine 187 with isoleucine.
Molecular consequence: missense variant. On other transcripts: intron variant (1).
Genome position (GRCh38, 1-based): chr3:69,938,026, C>A. VCF-style: chr3-69938026-C-A. GRCh37 (hg19) VCF-style: chr3-69987177-C-A.
Other names: c.238C>A, p.Leu80Ile (NM_000248.4, NM_001184968.2, NM_198158.3); c.403C>A, p.Leu135Ile (NM_001184967.2, NM_001354608.2); c.556C>A, p.Leu186Ile (NM_001354605.2, NM_001354606.2, NM_006722.3); c.508C>A, p.Leu170Ile (NM_001354607.2); c.559C>A, p.Leu187Ile (NM_198159.3); c.511C>A, p.Leu171Ile (NM_198177.3); c.93+145C>A (NM_198178.3); short protein forms L135I, L170I, L171I, L186I, L187I, L80I.
Identifiers: ClinVar variation 3750419 (VCV003750419.2).
Genomic context (GRCh38, chr3:69,938,026, plus strand): 5'-CATGTCATGCCACCGGTGCCGGGGAGCAGCGCACCCAACAGCCCCATGGCTATGCTTACG[C>A]TTAACTCCAACTGTGAAAAAGAGGTAATTCATGTCTCCTCTCCTCTCCTGTTTTCTTATG-3'
Protein context (NP_001341533.1, residues 177-197): APNSPMAMLT[Leu187Ile]NSNCEKEGFY